The following is an entry in ClinVar:

NM_001358351.3(SEMA6D):c.966-3C>T

Gene: SEMA6D (semaphorin 6D; plus strand). Cytogenetic location: 15q21.1.
Variant type: single nucleotide variant.
Coding change: c.966-3C>T on transcript NM_001358351.3 (MANE Select); 3 bases into the intron before coding-DNA position 966, C replaced by T.
Molecular consequence: intron variant.
Genome position (GRCh38, 1-based): chr15:47,764,171, C>T. VCF-style: chr15-47764171-C-T. GRCh37 (hg19) VCF-style: chr15-48056368-C-T.
Other names: c.966-3C>T (NM_001198999.2, NM_001358352.2, NM_020858.2 and 5 more transcripts).
Identifiers: ClinVar variation 3035160 (VCV003035160.2), dbSNP rs200646071, ClinGen allele CA7545162.

ClinVar aggregate classification (germline): Likely benign (0 of 4 stars; one submission).

Conditions:
SEMA6D-related disorder. Also called: SEMA6D-related condition.

Allele frequency attached by ClinVar (database versions not stated): ExAC 0.00015; 1000 Genomes Project 30x 0.00016; 1000 Genomes Project 0.00020; gnomAD 0.00043; ESP Exome Variant Server 0.00062.
gnomAD v4.1: 133 of 1,613,186 alleles (0.0082%); highest among the groups gnomAD compares: African/African-American, 0.16%; no homozygotes.

Submission:

PreventionGenetics, part of Exact Sciences
Classification: Likely benign for SEMA6D-related condition. Last evaluated: 2019-08-12. Review status: no assertion criteria provided. Collection method: clinical testing. Allele origin: germline.
Comment: This variant is classified as likely benign based on ACMG/AMP sequence variant interpretation guidelines (Richards et al. 2015 PMID: 25741868, with internal and published modifications).